The following is an entry in ClinVar:

NM_000352.6(ABCC8):c.3073G>A (p.Val1025Ile)

Gene: ABCC8 (ATP binding cassette subfamily C member 8; minus strand). Cytogenetic location: 11p15.1.
Variant type: single nucleotide variant.
Coding change: c.3073G>A on transcript NM_000352.6 (MANE Select); coding-DNA position 3073, G replaced by A.
Protein change: p.Val1025Ile; replaces valine 1025 with isoleucine.
Molecular consequence: missense variant. On other transcripts: non-coding transcript variant (1).
Genome position (GRCh38, 1-based): chr11:17,406,977, C>T on the plus strand (G>A on the coding strand, the complement: ABCC8 is on the minus strand). VCF-style: chr11-17406977-C-T. GRCh37 (hg19) VCF-style: chr11-17428524-C-T.
Other names: c.3073G>A (NM_000352.4); c.3076G>A, p.Val1026Ile (NM_001287174.3); c.3139G>A, p.Val1047Ile (NM_001351295.2); c.3073G>A, p.Val1025Ile (NM_001351296.2); c.3070G>A, p.Val1024Ile (NM_001351297.2); short protein forms V1024I, V1025I, V1026I, V1047I.
Identifiers: ClinVar variation 1188506 (VCV001188506.8), dbSNP rs771882862, ClinGen allele CA5902928.
Genomic context (GRCh38, chr11:17,406,977, plus strand): 5'-GGGTCAGGGTCAGGGCGCTGTCGGTCCACTTGGCCAGCCAGTAGTCGATGGCCACCAGGA[C>T]CATGTGCTTGAGCAGCTGTGAGAAGACCAGCAACGACAGGAGCAGGATGCCGGCGGAGGA-3'
Protein context (NP_000343.2, residues 1015-1035): LVFSQLLKHM[Val1025Ile]LVAIDYWLAK

ClinVar aggregate classification (germline): Uncertain significance. Review status: criteria provided, multiple submitters, no conflicts (2 of 4 stars). 5 submissions from 5 submitters: Uncertain significance (3). 2 of the submissions do not count toward it. Last evaluated 2023-01-22.

Conditions:
Inborn genetic diseases. Identifiers: MedGen C0950123, MeSH D030342.
ABCC8-related disorder.
Hereditary hyperinsulinism.
Leucine-induced hypoglycemia (LIH). Also called: LEUCINE-SENSITIVE HYPOGLYCEMIA OF INFANCY. Identifiers: MedGen C0271714, MONDO:0009415, OMIM 240800.
Diabetes mellitus, transient neonatal, 2 (TNDM2). Identifiers: Orphanet 99886, MedGen C1835887, MONDO:0012480, OMIM 610374. Disease mechanism: loss of function.
Type 2 diabetes mellitus. Also called: Type II diabetes mellitus. Identifiers: MedGen C0011860, MeSH D003924, MONDO:0005148, OMIM 125853, HP:0005978.
Hyperinsulinemic hypoglycemia, familial, 1 (HHF1). Also called: Persistent hyperinsulinemic hypoglycemia of infancy; HYPERINSULINISM, FAMILIAL, WITH PANCREATIC NESIDIOBLASTOSIS; HYPOGLYCEMIA, HYPERINSULINEMIC, OF INFANCY; NESIDIOBLASTOSIS OF PANCREAS; Persistent Hyperinsulinemia Hypoglycemia of Infancy. Identifiers: Orphanet 276575, Orphanet 276598, MedGen C2931832, MONDO:0009734, OMIM 256450.
Diabetes mellitus, permanent neonatal 3. Also called: ABCC8-Related Permanent Neonatal Diabetes Mellitus. Identifiers: MedGen C5394303, MONDO:0030088, OMIM 618857.

Allele frequency attached by ClinVar (database versions not stated): TOPMed 0.00001; ExAC 0.00002; gnomAD exomes 0.00002 and 0.00005.

Submissions (5):

Ambry Genetics
Classification: Uncertain significance for Inborn genetic diseases. Last evaluated: 2023-01-22. Review status: criteria provided, single submitter. Criteria: Ambry Variant Classification Scheme 2023. Collection method: clinical testing. Allele origin: germline.
Comment: The p.V1025I variant (also known as c.3073G>A), located in coding exon 25 of the ABCC8 gene, results from a G to A substitution at nucleotide position 3073. The valine at codon 1025 is replaced by isoleucine, an amino acid with highly similar properties. This amino acid position is conserved. In addition, this alteration is predicted to be tolerated by in silico analysis. Since supporting evidence is limited at this time, the clinical significance of this alteration remains unclear.

Fulgent Genetics
Classification: Uncertain significance for Type 2 diabetes mellitus; Leucine-induced hypoglycemia; Hyperinsulinemic hypoglycemia, familial, 1; Diabetes mellitus, transient neonatal, 2; Diabetes mellitus, permanent neonatal 3. Last evaluated: 2022-04-05. Review status: criteria provided, single submitter. Criteria: ACMG Guidelines, 2015. Collection method: clinical testing. Allele origin: unknown.

GeneDx
Classification: Uncertain significance. Last evaluated: 2019-05-23. Review status: criteria provided, single submitter. Criteria: GeneDx Variant Classification Process June 2021. Collection method: clinical testing. Allele origin: germline. Affected: yes.
Comment: In silico analysis, which includes protein predictors and evolutionary conservation, supports that this variant does not alter protein structure/function; Has not been previously published as pathogenic or benign to our knowledge

PreventionGenetics, part of Exact Sciences
Classification: Uncertain significance for ABCC8-related condition. Last evaluated: 2024-09-11. Review status: no assertion criteria provided. Collection method: clinical testing. Allele origin: germline. Not counted in ClinVar's aggregate classification.
Comment: The ABCC8 c.3073G>A variant is predicted to result in the amino acid substitution p.Val1025Ile. To our knowledge, this variant has not been reported in the literature. This variant is reported in 0.032% of alleles in individuals of Latino descent in gnomAD. At this time, the clinical significance of this variant is uncertain due to the absence of conclusive functional and genetic evidence.

Natera, Inc.
Classification: Uncertain significance for Hereditary hyperinsulinism. Last evaluated: 2020-12-23. Review status: no assertion criteria provided. Collection method: clinical testing. Allele origin: germline. Not counted in ClinVar's aggregate classification.